The following is an entry in ClinVar:

ClinVar aggregate classification (germline): Uncertain significance (1 of 4 stars; one submission).

gnomAD v4.1: 2 of 1,007,920 alleles (0.0002%); highest among the groups gnomAD compares: Non-Finnish European, 0.00024%; no homozygotes.

Submission:

Labcorp Genetics (formerly Invitae), Labcorp
Classification: Uncertain significance. Last evaluated: 2021-12-25. Review status: criteria provided, single submitter. Criteria: Invitae Variant Classification Sherloc (09022015). Collection method: clinical testing. Allele origin: germline.
Comment: This sequence change replaces proline, which is neutral and non-polar, with leucine, which is neutral and non-polar, at codon 17 of the KIAA1549 protein (p.Pro17Leu). The frequency data for this variant in the population databases is considered unreliable, as metrics indicate insufficient coverage at this position in the gnomAD database. This variant has not been reported in the literature in individuals affected with KIAA1549-related conditions. Algorithms developed to predict the effect of missense changes on protein structure and function (SIFT, PolyPhen-2, Align-GVGD) all suggest that this variant is likely to be tolerated. In summary, the available evidence is currently insufficient to determine the role of this variant in disease. Therefore, it has been classified as a Variant of Uncertain Significance.

NM_001164665.2(KIAA1549):c.50C>T (p.Pro17Leu)

Gene: KIAA1549 (KIAA1549; minus strand). Cytogenetic location: 7q34.
Variant type: single nucleotide variant.
Coding change: c.50C>T on transcript NM_001164665.2 (MANE Select); coding-DNA position 50, C replaced by T.
Protein change: p.Pro17Leu; replaces proline 17 with leucine.
Molecular consequence: missense variant.
Genome position (GRCh38, 1-based): chr7:138,981,220, G>A on the plus strand (C>T on the coding strand, the complement: KIAA1549 is on the minus strand). VCF-style: chr7-138981220-G-A. GRCh37 (hg19) VCF-style: chr7-138665966-G-A.
Other names: c.50C>T, p.Pro17Leu (NM_020910.3); short protein forms P17L.
Identifiers: ClinVar variation 2014254 (VCV002014254.4), dbSNP rs1814542375, ClinGen allele CA369382576.
Genomic context (GRCh38, chr7:138,981,220, plus strand): 5'-GCGCAGCGGGCGGAAGGCCGTCGGCCGCTCGGCCCCGGGGCCAGCGCGACCCCGGCGCGG[G>A]GCTTCCCCTCCATGGCCGCGCCTCGGCGTCGGCGCCGCGCCCCCGGCATTCCCGGCCGGC-3'
Protein context (NP_001158137.1, residues 7-27): RRRGAAMEGK[Pro17Leu]RAGVALAPGP